The following is an entry in ClinVar:

ClinVar aggregate classification (germline): Likely pathogenic (1 of 4 stars; one submission).

gnomAD v4.1: 1 of 1,614,252 alleles (0.000062%); no homozygotes.

Submission:

Labcorp Genetics (formerly Invitae), Labcorp
Classification: Likely pathogenic. Last evaluated: 2022-06-30. Review status: criteria provided, single submitter. Criteria: Invitae Variant Classification Sherloc (09022015). Collection method: clinical testing. Allele origin: germline.
Comment: This sequence change affects a donor splice site in intron 25 of the MYH3 gene. It is expected to disrupt RNA splicing. Variants that disrupt the donor or acceptor splice site typically lead to a loss of protein function (PMID: 16199547), and loss-of-function variants in MYH3 are known to be pathogenic (PMID: 29805041, 30008475). This variant is not present in population databases (gnomAD no frequency). This variant has not been reported in the literature in individuals affected with MYH3-related conditions. Algorithms developed to predict the effect of sequence changes on RNA splicing suggest that this variant may disrupt the consensus splice site. In summary, the currently available evidence indicates that the variant is pathogenic, but additional data are needed to prove that conclusively. Therefore, this variant has been classified as Likely Pathogenic.

Literature cited by the submitters: PubMed 16199547; PubMed 29805041; PubMed 30008475.

NM_002470.4(MYH3):c.3248+2T>C

Gene: MYH3 (myosin heavy chain 3; minus strand). Cytogenetic location: 17p13.1.
Variant type: single nucleotide variant.
Coding change: c.3248+2T>C on transcript NM_002470.4 (MANE Select); the canonical splice donor site of the intron after coding-DNA position 3248, T replaced by C.
Molecular consequence: splice donor variant.
Genome position (GRCh38, 1-based): chr17:10,639,042, A>G on the plus strand (T>C on the coding strand, the complement: MYH3 is on the minus strand). VCF-style: chr17-10639042-A-G. GRCh37 (hg19) VCF-style: chr17-10542359-A-G.
Identifiers: ClinVar variation 2191211 (VCV002191211.1), dbSNP rs2508596385, ClinGen allele CA398153925.